The following is an entry in ClinVar:

NM_016589.4(TIMMDC1):c.596+1del

Gene: TIMMDC1 (translocase of inner mitochondrial membrane domain containing 1; plus strand). Cytogenetic location: 3q13.33.
Variant type: Deletion.
Coding change: c.596+1del on transcript NM_016589.4 (MANE Select); the canonical splice donor site of the intron after coding-DNA position 596, one base deleted (G; older notation c.596+1delG).
Molecular consequence: splice donor variant.
Genome position (GRCh38, 1-based): chr3:119,513,720, G deleted; the last of 4 consecutive G bases (chr3:119,513,717-119,513,720); deleting any one gives the same sequence. VCF-style (leftmost placement, unchanged base first): chr3-119513716-TG-T. GRCh37 (hg19) VCF-style: chr3-119232563-TG-T.
Other names: c.596del (NM_016589.4).
Identifiers: ClinVar variation 1709036 (VCV001709036.2), dbSNP rs752776605, ClinGen allele CA2555288.

ClinVar aggregate classification (germline): Likely pathogenic (1 of 4 stars; one submission).

Conditions:
Mitochondrial complex I deficiency, nuclear type 31. Also called: Mitochondrial complex 1 deficiency, nuclear type 31. Identifiers: MedGen C4748838, MONDO:0032634, OMIM 618251.

Submission:

MGZ Medical Genetics Center
Classification: Likely pathogenic for Mitochondrial complex I deficiency, nuclear type 31. Last evaluated: 2022-06-21. Review status: criteria provided, single submitter. Criteria: ACMG Guidelines, 2015. Collection method: clinical testing. Allele origin: germline. Affected: yes. Observed: 1 variant allele.
Comment: ACMG criteria applied: PVS1, PM2_SUP